The following is an entry in ClinVar:

NM_001277313.2(FMN1):c.3866A>C (p.Lys1289Thr)

Gene: FMN1 (formin 1; minus strand). Cytogenetic location: 15q13.3.
Variant type: single nucleotide variant.
Coding change: c.3866A>C on transcript NM_001277313.2 (MANE Select); coding-DNA position 3866, A replaced by C.
Protein change: p.Lys1289Thr; replaces lysine 1289 with threonine.
Molecular consequence: missense variant.
Genome position (GRCh38, 1-based): chr15:32,857,077, T>G on the plus strand (A>C on the coding strand, the complement: FMN1 is on the minus strand). VCF-style: chr15-32857077-T-G. GRCh37 (hg19) VCF-style: chr15-33149278-T-G.
Other names: c.3197A>C, p.Lys1066Thr (NM_001103184.4); short protein forms K1066T, K1289T.
Identifiers: ClinVar variation 2841951 (VCV002841951.3), dbSNP rs2549008207, ClinGen allele CA391558372.

ClinVar aggregate classification (germline): Uncertain significance (1 of 4 stars; one submission).

Submission:

Labcorp Genetics (formerly Invitae), Labcorp
Classification: Uncertain significance. Last evaluated: 2025-04-30. Review status: criteria provided, single submitter. Criteria: Invitae Variant Classification Sherloc (09022015). Collection method: clinical testing. Allele origin: germline.
Comment: This sequence change replaces lysine, which is basic and polar, with threonine, which is neutral and polar, at codon 1066 of the FMN1 protein (p.Lys1066Thr). This variant is not present in population databases (gnomAD no frequency). This variant has not been reported in the literature in individuals affected with FMN1-related conditions. ClinVar contains an entry for this variant (Variation ID: 2841951). An algorithm developed to predict the effect of missense changes on protein structure and function (PolyPhen-2) suggests that this variant is likely to be tolerated. In summary, the available evidence is currently insufficient to determine the role of this variant in disease. Therefore, it has been classified as a Variant of Uncertain Significance.